The following is an entry in ClinVar:

NM_004817.4(TJP2):c.2906C>A (p.Pro969Gln)

Gene: TJP2 (tight junction protein 2; plus strand). Cytogenetic location: 9q21.11.
Variant type: single nucleotide variant.
Coding change: c.2906C>A on transcript NM_004817.4 (MANE Select); coding-DNA position 2906, C replaced by A.
Protein change: p.Pro969Gln; replaces proline 969 with glutamine.
Molecular consequence: missense variant. On other transcripts: intron variant (6).
Genome position (GRCh38, 1-based): chr9:69,249,400, C>A. VCF-style: chr9-69249400-C-A. GRCh37 (hg19) VCF-style: chr9-71864316-C-A.
Other names: c.2837C>A, p.Pro946Gln (NM_001369871.1); c.2918C>A, p.Pro973Gln (NM_001369875.1); c.2811+1176C>A (NM_001170414.2); c.2880+1176C>A (NM_201629.3, NM_001369872.1); c.2668-1635C>A (NM_001369873.1); c.2892+1176C>A (NM_001170415.1, NM_001369874.1); c.2999C>A, p.Pro1000Gln (NM_001170416.2); c.2831C>A, p.Pro944Gln (NM_001369870.1); short protein forms P1000Q, P944Q, P946Q, P969Q, P973Q.
Identifiers: ClinVar variation 3767327 (VCV003767327.1).

ClinVar aggregate classification (germline): Likely pathogenic (1 of 4 stars; one submission).

Conditions:
Autosomal recessive nonsyndromic hearing loss 4 (DFNB4). Also called: Enlarged vestibular aqueduct, digenic; Deafness, autosomal recessive 4; FOXI1-Related Pendred Syndrome; KCNJ10-Related Pendred Syndrome; DEAFNESS, AUTOSOMAL RECESSIVE 4, WITH ENLARGED VESTIBULAR AQUEDUCT, DIGENIC; NEUROSENSORY NONSYNDROMIC RECESSIVE DEAFNESS 4. Identifiers: Orphanet 90636, MedGen C3538946, MONDO:0010933, OMIM 600791.

Submission:

Wonkam Laboratory, Johns Hopkins University
Classification: Likely pathogenic for Autosomal recessive nonsyndromic hearing loss 4. Last evaluated: 2024-01-06. Review status: criteria provided, single submitter. Criteria: ACMG Guidelines, 2015. Collection method: research. Allele origin: germline. Inheritance: Autosomal recessive inheritance. Affected: yes. Observed: 2 variant alleles.
Comment: This variant TJP2 c.2906C>A (NM_004817.3) is Absent from controls (or at extremely low frequency if recessive) in Exome Sequencing Project, 1000 Genomes Project, or Exome Aggregation Consortium (PM2), Cosegregation with disease in multiple affected family members in a gene definitively known to cause the disease (PP1), Patient's phenotype or family history is highly specific for a disease with a single genetic etiology (PP4)